The following is an entry in ClinVar:

ClinVar aggregate classification (germline): Uncertain significance (1 of 4 stars; one submission).

Conditions:
Familial hemophagocytic lymphohistiocytosis 3 (FHL3). Also called: UNC13D-Related Familial Hemophagocytic Lymphohistiocytosis (UNC13D-fHLH). Identifiers: Orphanet 540, MedGen C1837174, MONDO:0012146, OMIM 608898.

Allele frequency attached by ClinVar (database versions not stated): gnomAD 0.00001; TOPMed 0.00002; ExAC 0.00003; gnomAD exomes 0.00005.
gnomAD v4.1: 52 of 1,613,556 alleles (0.0032%); highest among the groups gnomAD compares: South Asian, 0.043%; no homozygotes.

Submissions (2):

Labcorp Genetics (formerly Invitae), Labcorp
Classification: Uncertain significance for Familial hemophagocytic lymphohistiocytosis 3. Last evaluated: 2021-08-27. Review status: criteria provided, single submitter. Criteria: Invitae Variant Classification Sherloc (09022015). Collection method: clinical testing. Allele origin: germline.
Comment: This sequence change affects codon 318 of the UNC13D mRNA. It is a 'silent' change, meaning that it does not change the encoded amino acid sequence of the UNC13D protein. This variant is present in population databases (rs751058445, ExAC 0.02%). This variant has not been reported in the literature in individuals affected with UNC13D-related conditions. Algorithms developed to predict the effect of sequence changes on RNA splicing suggest that this variant may create or strengthen a splice site. In summary, the available evidence is currently insufficient to determine the role of this variant in disease. Therefore, it has been classified as a Variant of Uncertain Significance.

Dr. Peter K. Rogan Lab, Western University
No classification provided (evidence only). Condition: Melanoma. Review status: no classification provided. Collection method: in vitro. Allele origin: not applicable. Functional consequence: retained intron. Not counted in ClinVar's aggregate classification.

NM_199242.3(UNC13D):c.954G>A (p.Ala318=)

Gene: UNC13D (unc-13 homolog D; minus strand). Cytogenetic location: 17q25.1.
Variant type: single nucleotide variant.
Coding change: c.954G>A on transcript NM_199242.3 (MANE Select); coding-DNA position 954, G replaced by A.
Protein change: p.Ala318=; no amino-acid change (alanine 318 retained).
Molecular consequence: synonymous variant.
Genome position (GRCh38, 1-based): chr17:75,839,940, C>T on the plus strand (G>A on the coding strand, the complement: UNC13D is on the minus strand). VCF-style: chr17-75839940-C-T. GRCh37 (hg19) VCF-style: chr17-73836021-C-T.
Identifiers: ClinVar variation 577974 (VCV000577974.10), dbSNP rs751058445, ClinGen allele CA8773181.